The following is an entry in ClinVar:

ClinVar aggregate classification (germline): Uncertain significance. Review status: criteria provided, multiple submitters, no conflicts (2 of 4 stars). 2 submissions from 2 submitters: Uncertain significance (2). Last evaluated 2024-10-15.

Conditions:
Inborn genetic diseases. Identifiers: MedGen C0950123, MeSH D030342.

Allele frequency attached by ClinVar (database versions not stated): gnomAD exomes below 0.00001; TOPMed 0.00002.
gnomAD v4.1: 6 of 1,613,896 alleles (0.00037%); highest among the groups gnomAD compares: Non-Finnish European, 0.00042%; no homozygotes.

Submissions (2):

Ambry Genetics
Classification: Uncertain significance for Inborn genetic diseases. Last evaluated: 2024-10-15. Review status: criteria provided, single submitter. Criteria: Ambry Variant Classification Scheme 2023. Collection method: clinical testing. Allele origin: germline.
Comment: The p.G346E variant (also known as c.1037G>A), located in coding exon 1 of the SAMD9 gene, results from a G to A substitution at nucleotide position 1037. The glycine at codon 346 is replaced by glutamic acid, an amino acid with similar properties. This amino acid position is conserved. In addition, the in silico prediction for this alteration is inconclusive. Based on the available evidence, the clinical significance of this variant remains unclear.

Labcorp Genetics (formerly Invitae), Labcorp
Classification: Uncertain significance. Last evaluated: 2022-08-25. Review status: criteria provided, single submitter. Criteria: Invitae Variant Classification Sherloc (09022015). Collection method: clinical testing. Allele origin: germline.
Comment: This sequence change replaces glycine, which is neutral and non-polar, with glutamic acid, which is acidic and polar, at codon 346 of the SAMD9 protein (p.Gly346Glu). This variant is present in population databases (no rsID available, gnomAD 0.007%). This variant has not been reported in the literature in individuals affected with SAMD9-related conditions. Algorithms developed to predict the effect of missense changes on protein structure and function are either unavailable or do not agree on the potential impact of this missense change (SIFT: "Deleterious"; PolyPhen-2: "Probably Damaging"; Align-GVGD: "Class C0"). In summary, the available evidence is currently insufficient to determine the role of this variant in disease. Therefore, it has been classified as a Variant of Uncertain Significance.

NM_017654.4(SAMD9):c.1037G>A (p.Gly346Glu)

Gene: SAMD9 (sterile alpha motif domain containing 9; minus strand). Cytogenetic location: 7q21.2.
Variant type: single nucleotide variant.
Coding change: c.1037G>A on transcript NM_017654.4 (MANE Select); coding-DNA position 1037, G replaced by A.
Protein change: p.Gly346Glu; replaces glycine 346 with glutamic acid.
Molecular consequence: missense variant.
Genome position (GRCh38, 1-based): chr7:93,105,061, C>T on the plus strand (G>A on the coding strand, the complement: SAMD9 is on the minus strand). VCF-style: chr7-93105061-C-T. GRCh37 (hg19) VCF-style: chr7-92734374-C-T.
Other names: c.1037G>A, p.Gly346Glu (NM_001193307.2); c.1037G>A (NM_017654.3); short protein forms G346E.
Identifiers: ClinVar variation 2070801 (VCV002070801.2), dbSNP rs1444597997, ClinGen allele CA368202594.